The following is an entry in ClinVar:

ClinVar aggregate classification (germline): Pathogenic (0 of 4 stars; one submission).

Conditions:
Steinert myotonic dystrophy syndrome (DM1). Also called: STEINERT DISEASE; Myotonic dystrophy type 1; Dystrophia myotonica type 1; Steinert myotonic dystrophy; Steinert's disease. Identifiers: Orphanet 273, MedGen C3250443, MONDO:0008056, OMIM 160900.

Submission:

Institute of Molecular, Cell and Systems Biology, University of Glasgow
Classification: Pathogenic for Steinert myotonic dystrophy syndrome. Review status: no assertion criteria provided. Criteria: research. Collection method: research. Allele origin: germline. Inheritance: Autosomal dominant inheritance. Affected: yes. Observed: 1 heterozygote.
Comment: DMPK CTG repeat expansions greater than approximately 45-50 repeats are assumed to be pathogenic

This record is based on data published in PubMed 25052313, which reports only ClinVar accessions SCV000120188 and SCV000120189. The complete data set includes SCV000207445 - SCV000207579.

Literature cited by the submitters: PubMed 1346923; PubMed 1546326; PubMed 25052313.

NM_004409.5(DMPK):c.*224CTG[482]

Genes: DM1-AS (DM1 locus antisense RNA; plus strand), DMPK (DM1 protein kinase; minus strand), LOC107075317 (origin of replication in DMPK trinucleotide repeat region; plus strand), LOC109461477 (dystrophia myotonica protein kinase repeat instability region; plus strand). Cytogenetic location: 19q13.32.
Variant type: Microsatellite.
Coding change: c.*224CTG[482] on transcript NM_004409.5 (MANE Select); 482 copies in a row of the 3-base unit CTG starting at c.*224.
Molecular consequence: 3 prime UTR variant.
Genome position: GRCh38, VCF-style position (the base before the change): chr19:45,770,204. GRCh37 (hg19), VCF-style position (the base before the change): chr19:46,273,462.
Other names: DM1 CTG repeat expansion; c.*217CTG[482] (NM_001424162.1, NM_001081562.3, NM_001288765.2 and 2 more transcripts); c.*224CTG[482] (NM_001081560.3, NM_001288764.2, NM_001424165.1 and 1 more transcripts); c.*222_*224TGC[482] (NM_001081563.3); c.*369CTG[482] (NM_001288766.2, NM_001424164.1, NM_001424168.1).
Identifiers: ClinVar variation 187990 (VCV000187990.2), ClinGen allele CA915951811.